The following is an entry in ClinVar:

ClinVar aggregate classification (germline): Uncertain significance (1 of 4 stars; one submission).

Conditions:
Nephronophthisis. Also called: Juvenile Nephronophthisis. Identifiers: Orphanet 655, MedGen C0687120, MONDO:0019005, HP:0000090.

Allele frequency attached by ClinVar (database versions not stated): gnomAD exomes below 0.00001; gnomAD 0.00001; TOPMed 0.00001.
gnomAD v4.1: 2 of 1,479,026 alleles (0.00014%); highest among the groups gnomAD compares: African/African-American, 0.0028%; no homozygotes.

Submission:

Labcorp Genetics (formerly Invitae), Labcorp
Classification: Uncertain significance for Nephronophthisis. Last evaluated: 2022-02-22. Review status: criteria provided, single submitter. Criteria: Invitae Variant Classification Sherloc (09022015). Collection method: clinical testing. Allele origin: germline.
Comment: In summary, the available evidence is currently insufficient to determine the role of this variant in disease. Therefore, it has been classified as a Variant of Uncertain Significance. Algorithms developed to predict the effect of missense changes on protein structure and function (SIFT, PolyPhen-2, Align-GVGD) all suggest that this variant is likely to be tolerated. This variant has not been reported in the literature in individuals affected with NPHP3-related conditions. This variant is not present in population databases (gnomAD no frequency). This sequence change replaces glutamine, which is neutral and polar, with lysine, which is basic and polar, at codon 1058 of the NPHP3 protein (p.Gln1058Lys).

NM_153240.5(NPHP3):c.3172C>A (p.Gln1058Lys)

Genes: NPHP3 (nephrocystin 3; minus strand), NPHP3-ACAD11 (NPHP3-ACAD11 readthrough (NMD candidate); minus strand). Cytogenetic location: 3q22.1.
Variant type: single nucleotide variant.
Coding change: c.3172C>A on transcript NM_153240.5 (MANE Select); coding-DNA position 3172, C replaced by A.
Protein change: p.Gln1058Lys; replaces glutamine 1058 with lysine.
Molecular consequence: missense variant. On other transcripts: non-coding transcript variant (1).
Genome position (GRCh38, 1-based): chr3:132,687,180, G>T on the plus strand (C>A on the coding strand, the complement: NPHP3 is on the minus strand). VCF-style: chr3-132687180-G-T. GRCh37 (hg19) VCF-style: chr3-132406024-G-T.
Other names: short protein forms Q1058K.
Identifiers: ClinVar variation 1920724 (VCV001920724.5), dbSNP rs1321320008, ClinGen allele CA354579600.
Genomic context (GRCh38, chr3:132,687,180, plus strand): 5'-AAAACACAACACAAAAGAAATCTCTCCTTACCAAGTTGCCTTTTTTCTTTATAGCTTTCT[G>T]ATGAATTTTAAAGGATTTTTTCCTAAAATGTTCAGCTTGTTCATATCTTAAAAAAAAATT-3'
Protein context (NP_694972.3, residues 1048-1068): HFRKKSFKIH[Gln1058Lys]KAIKKKGNLY